The following is an entry in ClinVar:

ClinVar aggregate classification (germline): Uncertain significance (1 of 4 stars; one submission).

Submission:

GeneDx
Classification: Uncertain significance. Last evaluated: 2022-02-11. Review status: criteria provided, single submitter. Criteria: GeneDx Variant Classification Process June 2021. Collection method: clinical testing. Allele origin: germline. Affected: yes.
Comment: Frameshift variant predicted to result in protein truncation or nonsense mediated decay in a gene for which loss-of-function is not a known mechanism of disease; Not observed at significant frequency in large population cohorts (gnomAD); Has not been previously published as pathogenic or benign to our knowledge; Variants in candidate genes are classified as variants of uncertain significance in accordance with ACMG guidelines (Richards et al., 2015)

NM_024721.5(ZFHX4):c.2126_2127dup (p.Thr710fs)

Gene: ZFHX4 (zinc finger homeobox 4; plus strand). Cytogenetic location: 8q21.13.
Variant type: Duplication.
Coding change: c.2126_2127dup on transcript NM_024721.5 (MANE Select); coding-DNA positions 2126 to 2127, 2 bases duplicated (CT; older notation c.2126_2127dupCT).
Protein change: p.Thr710fs; shifts the reading frame from threonine 710.
Molecular consequence: frameshift variant.
Genome position (GRCh38, 1-based): chr8:76,706,214-76,706,215, CT duplicated. VCF-style (leftmost placement, unchanged base first): chr8-76706213-A-ACT. GRCh37 (hg19) VCF-style: chr8-77618448-A-ACT.
Other names: c.2126_2127dup, p.Thr710fs (NM_001410934.1); short protein forms T710fs.
Identifiers: ClinVar variation 3900254 (VCV003900254.1).